The following is an entry in ClinVar:

ClinVar aggregate classification (germline): Benign. Review status: criteria provided, multiple submitters, no conflicts (2 of 4 stars). 3 submissions from 3 submitters: Benign (3). Last evaluated 2021-07-01.

Conditions:
Galactosylceramide beta-galactosidase deficiency. Also called: Krabbe Disease; Leukodystrophy, Globoid Cell; GALACTOCEREBROSIDASE DEFICIENCY; GALC DEFICIENCY; GLOBOID CELL LEUKOENCEPHALOPATHY. Identifiers: Orphanet 487, MedGen C0023521, MONDO:0009499, OMIM 245200.

Allele frequency attached by ClinVar (database versions not stated): gnomAD 0.44852 and 0.45839; TOPMed 0.45642; 1000 Genomes Project 30x 0.48392; 1000 Genomes Project 0.48882; gnomAD exomes 0.54881.
gnomAD v4.1: 421,526 of 794,066 alleles (53%); highest among the groups gnomAD compares: East Asian, 76%; 116,318 homozygotes.

Submissions (3):

Genome-Nilou Lab
Classification: Benign for Galactosylceramide beta-galactosidase deficiency. Last evaluated: 2021-07-01. Review status: criteria provided, single submitter. Criteria: ACMG Guidelines, 2015. Collection method: clinical testing. Allele origin: germline. Affected: no.

GeneDx
Classification: Benign. Last evaluated: 2018-06-19. Review status: criteria provided, single submitter. Criteria: GeneDx Variant Classification (06012015). Collection method: clinical testing. Allele origin: germline. Affected: yes.
Comment: This variant is considered likely benign or benign based on one or more of the following criteria: it is a conservative change, it occurs at a poorly conserved position in the protein, it is predicted to be benign by multiple in silico algorithms, and/or has population frequency not consistent with disease.

Breakthrough Genomics
Classification: Benign. Review status: criteria provided, single submitter. Criteria: ACMG Guidelines, 2015. Collection method: not provided. Allele origin: germline. Inheritance: Autosomal recessive inheritance. Affected: yes.

NM_000153.4(GALC):c.1911+122C>G

Gene: GALC (galactosylceramidase; minus strand). Cytogenetic location: 14q31.3.
Variant type: single nucleotide variant.
Coding change: c.1911+122C>G on transcript NM_000153.4 (MANE Select); 122 bases into the intron after coding-DNA position 1911, C replaced by G.
Molecular consequence: intron variant.
Genome position (GRCh38, 1-based): chr14:87,939,783, G>C on the plus strand (C>G on the coding strand, the complement: GALC is on the minus strand). VCF-style: chr14-87939783-G-C. GRCh37 (hg19) VCF-style: chr14-88406127-G-C.
Other names: c.1833+122C>G (NM_001201402.2); c.1842+122C>G (NM_001201401.2).
Identifiers: ClinVar variation 680306 (VCV000680306.5), dbSNP rs45567441, ClinGen allele CA13997341.